The following is an entry in ClinVar:

NM_001127198.5(TMC6):c.967del (p.Leu323fs)

Gene: TMC6 (transmembrane channel like 6; minus strand). Cytogenetic location: 17q25.3.
Variant type: Deletion.
Coding change: c.967del on transcript NM_001127198.5 (MANE Select); coding-DNA position 967, one base deleted (C; older notation c.967delC).
Protein change: p.Leu323fs; shifts the reading frame from leucine 323.
Molecular consequence: frameshift variant.
Genome position (GRCh38, 1-based): chr17:78,124,104, G deleted on the plus strand (C on the coding strand, the reverse complement: TMC6 is on the minus strand); the first of 5 consecutive G bases (chr17:78,124,104-78,124,108); deleting any one gives the same sequence. VCF-style (leftmost placement, unchanged base first): chr17-78124103-AG-A. GRCh37 (hg19) VCF-style: chr17-76120184-AG-A.
Other names: c.967del, p.Leu323fs (NM_001321185.1, NM_001374593.1, NM_001374594.1 and 4 more transcripts); short protein forms L323fs.
Identifiers: ClinVar variation 836197 (VCV000836197.10), dbSNP rs1392702424, ClinGen allele CA628014204.
Genomic context (GRCh38, chr17:78,124,103, plus strand): 5'-TAGGCCAGGGGCATGTTGTAGGGCAGGCCACCCACCCTGGGTGTGCACTGGCTGCCATCC[AG>A]GGGGCTGCCACACGGCTGGTTCAGCGTGGCGTTACTGTAGTGGCCGTAGTACATGACGGT-3'

ClinVar aggregate classification (germline): Pathogenic/Likely pathogenic. Review status: criteria provided, multiple submitters, no conflicts (2 of 4 stars). 2 submissions from 2 submitters: Pathogenic (1); Likely pathogenic (1). Last evaluated 2026-04-28.

Conditions:
Epidermodysplasia verruciformis. Identifiers: Orphanet 302, MedGen C0014522, MONDO:0009176.
Epidermodysplasia verruciformis, susceptibility to, 1. Identifiers: Orphanet 302, MedGen C4722564, MONDO:0100045, OMIM 226400.

Submissions (2):

Dasa
Classification: Likely pathogenic for Epidermodysplasia verruciformis, susceptibility to, 1. Last evaluated: 2026-04-28. Review status: criteria provided, single submitter. Criteria: DASA Assertion Criteria. Collection method: clinical testing. Allele origin: germline.
Comment: NM_001127198.5(TMC6):c.967del (p.Leu323Trpfs*27) is a frameshift variant in TMC6 predicted to alter the reading frame and introduce a premature termination codon and is predicted to result in an absent or altered protein product. Loss of function is an established disease mechanism for TMC6-associated disorders. Also, this variant is rare in population databases. Based on the currently available evidence, this variant is classified as likely pathogenic.

Labcorp Genetics (formerly Invitae), Labcorp
Classification: Pathogenic for Epidermodysplasia verruciformis. Last evaluated: 2025-10-01. Review status: criteria provided, single submitter. Criteria: Invitae Variant Classification Sherloc (09022015). Collection method: clinical testing. Allele origin: germline.
Comment: This sequence change creates a premature translational stop signal (p.Leu323Trpfs*27) in the TMC6 gene. It is expected to result in an absent or disrupted protein product. Loss-of-function variants in TMC6 are known to be pathogenic (PMID: 15042430, 17139267). This variant is present in population databases (no rsID available, gnomAD 0.0009%). This variant has not been reported in the literature in individuals affected with TMC6-related conditions. ClinVar contains an entry for this variant (Variation ID: 836197). For these reasons, this variant has been classified as Pathogenic.

Literature cited by the submitters: PubMed 15042430 (cited by Labcorp Genetics (formerly Invitae), Labcorp); PubMed 17139267 (cited by Labcorp Genetics (formerly Invitae), Labcorp).